The following is an entry in ClinVar:

NM_015295.3(SMCHD1):c.437C>G (p.Ala146Gly)

Gene: SMCHD1 (structural maintenance of chromosomes flexible hinge domain containing 1; plus strand). Cytogenetic location: 18p11.32.
Variant type: single nucleotide variant.
Coding change: c.437C>G on transcript NM_015295.3 (MANE Select); coding-DNA position 437, C replaced by G.
Protein change: p.Ala146Gly; replaces alanine 146 with glycine.
Molecular consequence: missense variant.
Genome position (GRCh38, 1-based): chr18:2,673,293, C>G. VCF-style: chr18-2673293-C-G. GRCh37 (hg19) VCF-style: chr18-2673292-C-G.
Other names: c.437C>G (NM_015295.2); short protein forms A146G.
Identifiers: ClinVar variation 1387400 (VCV001387400.7), dbSNP rs886043899, ClinGen allele CA401689228.
Genomic context (GRCh38, chr18:2,673,293, plus strand): 5'-AGTATGTGGGAGGGAAAAGTTAAGCAATGTTTTCTTGATCTCTTGCAGCATTTGCTCTTG[C>G]GGAATTAATTGACAATTCATTGTCTGCTACTTCTCGTAACATTGGGGTTAGAAGAATACA-3'
Protein context (NP_056110.2, residues 136-156): EGQNPLPFAL[Ala146Gly]ELIDNSLSAT

ClinVar aggregate classification (germline): Uncertain significance. Review status: criteria provided, multiple submitters, no conflicts (2 of 4 stars). 2 submissions from 2 submitters: Uncertain significance (2). Last evaluated 2026-02-23.

Conditions:
Facioscapulohumeral muscular dystrophy 2 (FSHD2). Also called: FACIOSCAPULOHUMERAL MUSCULAR DYSTROPHY 2, DIGENIC; FSHD2, DIGENIC; MUSCULAR DYSTROPHY, FACIOSCAPULOHUMERAL, TYPE 1B. Identifiers: Orphanet 269, MedGen C1834671, MONDO:0008031, OMIM 158901.

Allele frequency attached by ClinVar (database versions not stated): gnomAD exomes below 0.00001.
gnomAD v4.1: 1 of 1,591,624 alleles (0.000063%); highest among the groups gnomAD compares: Non-Finnish European, 0.000086%; no homozygotes.

Submissions (2):

GeneDx
Classification: Uncertain significance. Last evaluated: 2026-02-23. Review status: criteria provided, single submitter. Criteria: GeneDx Variant Classification Process June 2021. Collection method: clinical testing. Allele origin: germline.
Comment: In silico analysis supports that this missense variant has a deleterious effect on protein structure/function; Has not been previously published as pathogenic or benign to our knowledge

Labcorp Genetics (formerly Invitae), Labcorp
Classification: Uncertain significance for Facioscapulohumeral muscular dystrophy 2. Last evaluated: 2022-03-18. Review status: criteria provided, single submitter. Criteria: Invitae Variant Classification Sherloc (09022015). Collection method: clinical testing. Allele origin: germline.
Comment: This variant is present in population databases (no rsID available, gnomAD 0.0009%). This sequence change replaces alanine, which is neutral and non-polar, with glycine, which is neutral and non-polar, at codon 146 of the SMCHD1 protein (p.Ala146Gly). This variant has not been reported in the literature in individuals affected with SMCHD1-related conditions. In summary, the available evidence is currently insufficient to determine the role of this variant in disease. Therefore, it has been classified as a Variant of Uncertain Significance. Algorithms developed to predict the effect of missense changes on protein structure and function (SIFT, PolyPhen-2, Align-GVGD) all suggest that this variant is likely to be disruptive.